The following is an entry in ClinVar:

ClinVar aggregate classification (germline): Uncertain significance (1 of 4 stars; one submission).

gnomAD v4.1: 1 of 1,612,464 alleles (0.000062%); highest among the groups gnomAD compares: Admixed American, 0.0017%; no homozygotes.

Submission:

Labcorp Genetics (formerly Invitae), Labcorp
Classification: Uncertain significance. Last evaluated: 2025-12-17. Review status: criteria provided, single submitter. Criteria: Invitae Variant Classification Sherloc (09022015). Collection method: clinical testing. Allele origin: germline.
Comment: This sequence change replaces aspartic acid, which is acidic and polar, with histidine, which is basic and polar, at codon 2516 of the HMCN1 protein (p.Asp2516His). This variant is not present in population databases (gnomAD no frequency). This variant has not been reported in the literature in individuals affected with HMCN1-related conditions. An algorithm developed to predict the effect of missense changes on protein structure and function (PolyPhen-2) suggests that this variant is likely to be disruptive. In summary, the available evidence is currently insufficient to determine the role of this variant in disease. Therefore, it has been classified as a Variant of Uncertain Significance.

NM_031935.3(HMCN1):c.7546G>C (p.Asp2516His)

Gene: HMCN1 (hemicentin 1; plus strand). Cytogenetic location: 1q31.1.
Variant type: single nucleotide variant.
Coding change: c.7546G>C on transcript NM_031935.3 (MANE Select); coding-DNA position 7546, G replaced by C.
Protein change: p.Asp2516His; replaces aspartic acid 2516 with histidine.
Molecular consequence: missense variant.
Genome position (GRCh38, 1-based): chr1:186,065,270, G>C. VCF-style: chr1-186065270-G-C. GRCh37 (hg19) VCF-style: chr1-186034402-G-C.
Other names: short protein forms D2516H.
Identifiers: ClinVar variation 4704077 (VCV004704077.1).